The following is an entry in ClinVar:

NM_201384.3(PLEC):c.6841G>A (p.Ala2281Thr)

Gene: PLEC (plectin; minus strand). Cytogenetic location: 8q24.3.
Variant type: single nucleotide variant.
Coding change: c.6841G>A on transcript NM_201384.3 (MANE Select); coding-DNA position 6841, G replaced by A.
Protein change: p.Ala2281Thr; replaces alanine 2281 with threonine.
Molecular consequence: missense variant.
Genome position (GRCh38, 1-based): chr8:143,923,088, C>T on the plus strand (G>A on the coding strand, the complement: PLEC is on the minus strand). VCF-style: chr8-143923088-C-T. GRCh37 (hg19) VCF-style: chr8-144997256-C-T.
Other names: c.6922G>A, p.Ala2308Thr (NM_000445.5); c.6799G>A, p.Ala2267Thr (NM_201378.4); c.6775G>A, p.Ala2259Thr (NM_201379.3); c.7252G>A, p.Ala2418Thr (NM_201380.4); c.6745G>A, p.Ala2249Thr (NM_201381.3); c.6841G>A, p.Ala2281Thr (NM_201382.4); c.6853G>A, p.Ala2285Thr (NM_201383.3); short protein forms A2259T, A2267T, A2285T, A2308T, A2249T, A2281T, A2418T.
Identifiers: ClinVar variation 471637 (VCV000471637.17), dbSNP rs200618217, ClinGen allele CA4925834.

ClinVar aggregate classification (germline): Conflicting classifications of pathogenicity. Review status: criteria provided, conflicting classifications (1 of 4 stars). 7 submissions from 7 submitters: Uncertain significance (6); Likely benign (1). Last evaluated 2026-02-24.

Conditions:
PLEC-related disorder. Also called: PLEC-related disorders; PLEC-related condition.
Autosomal recessive limb-girdle muscular dystrophy type 2Q (LGMDR17). Also called: MUSCULAR DYSTROPHY, LIMB-GIRDLE, AUTOSOMAL RECESSIVE 17. Identifiers: Orphanet 254361, MedGen C3150989, MONDO:0013390, OMIM 613723.
Epidermolysis bullosa simplex with nail dystrophy (EBS5D). Identifiers: MedGen C4225309, MONDO:0014661, OMIM 616487.
Epidermolysis bullosa simplex 5C, with pyloric atresia (EBS5C). Also called: PLEC-Related Epidermolysis Bullosa with Pyloric Atresia; Epidermolysis bullosa simplex with pyloric atresia; PLEC1-Related Epidermolysis Bullosa with Pyloric Atresia. Identifiers: Orphanet 158684, MedGen C2677349, MONDO:0012807, OMIM 612138.
Epidermolysis bullosa simplex, Ogna type (EBS5A). Also called: Pidermolysis bullosa simplex 5A, Ogna type; EPIDERMOLYSIS BULLOSA SIMPLEX 5A, OGNA TYPE. Identifiers: Orphanet 79401, MedGen C0432317, MONDO:0007555, OMIM 131950.
Epidermolysis bullosa simplex 5B, with muscular dystrophy (EBS5B). Also called: EPIDERMOLYSIS BULLOSA SIMPLEX AND LIMB-GIRDLE MUSCULAR DYSTROPHY; Epidermolysis bullosa simplex with muscular dystrophy. Identifiers: Orphanet 257, MedGen C2931072, MONDO:0009181, OMIM 226670.
Inborn genetic diseases. Identifiers: MedGen C0950123, MeSH D030342.

Allele frequency attached by ClinVar (database versions not stated): gnomAD 0.00009 and 0.00011; TOPMed 0.00011; gnomAD exomes 0.00014 and 0.00017; ExAC 0.00026.
gnomAD v4.1: 213 of 1,606,934 alleles (0.013%); highest among the groups gnomAD compares: Non-Finnish European, 0.016%; no homozygotes.

Submissions (7):

PreventionGenetics, part of Exact Sciences
Classification: Uncertain significance for PLEC-related condition. Last evaluated: 2026-02-24. Review status: criteria provided, single submitter. Criteria: ACMG Guidelines, 2015. Collection method: clinical testing. Allele origin: germline.
Comment: The PLEC c.6922G>A variant is predicted to result in the amino acid substitution p.Ala2308Thr. To our knowledge, this variant has not been reported in the literature. This variant is reported in 0.029% of alleles in individuals of European (Non-Finnish) descent in gnomAD. At this time, the clinical significance of this variant is uncertain due to the absence of conclusive functional and genetic evidence.

Labcorp Genetics (formerly Invitae), Labcorp
Classification: Uncertain significance for Autosomal recessive limb-girdle muscular dystrophy type 2Q; Epidermolysis bullosa simplex, Ogna type; Epidermolysis bullosa simplex with nail dystrophy; Epidermolysis bullosa simplex 5C, with pyloric atresia; Epidermolysis bullosa simplex 5B, with muscular dystrophy. Last evaluated: 2025-10-02. Review status: criteria provided, single submitter. Criteria: Invitae Variant Classification Sherloc (09022015). Collection method: clinical testing. Allele origin: germline.
Comment: This sequence change replaces alanine, which is neutral and non-polar, with threonine, which is neutral and polar, at codon 2308 of the PLEC protein (p.Ala2308Thr). This variant is present in population databases (rs200618217, gnomAD 0.03%). This variant has not been reported in the literature in individuals affected with PLEC-related conditions. ClinVar contains an entry for this variant (Variation ID: 471637). An algorithm developed to predict the effect of missense changes on protein structure and function (PolyPhen-2) suggests that this variant is likely to be disruptive. In summary, the available evidence is currently insufficient to determine the role of this variant in disease. Therefore, it has been classified as a Variant of Uncertain Significance.

Ambry Genetics
Classification: Uncertain significance for Inborn genetic diseases. Last evaluated: 2024-01-03. Review status: criteria provided, single submitter. Criteria: Ambry Variant Classification Scheme 2023. Collection method: clinical testing. Allele origin: germline.

Revvity Omics, Revvity
Classification: Uncertain significance. Last evaluated: 2023-07-14. Review status: criteria provided, single submitter. Criteria: ACMG Guidelines, 2015. Collection method: clinical testing. Allele origin: germline.

Athena Diagnostics
Classification: Uncertain significance. Last evaluated: 2020-09-16. Review status: criteria provided, single submitter. Criteria: Athena Diagnostics criteria. Collection method: clinical testing. Allele origin: unknown.

Eurofins Ntd Llc (ga)
Classification: Uncertain significance. Last evaluated: 2018-07-03. Review status: criteria provided, single submitter. Criteria: EGL ClinVar v180209 classification definitions. Collection method: clinical testing. Allele origin: germline. Observed: 3 variant alleles, 3 heterozygotes.

GeneDx
Classification: Likely benign. Last evaluated: 2017-11-30. Review status: criteria provided, single submitter. Criteria: GeneDx Variant Classification (06012015). Collection method: clinical testing. Allele origin: germline. Affected: yes.
Comment: This variant is considered likely benign or benign based on one or more of the following criteria: it is a conservative change, it occurs at a poorly conserved position in the protein, it is predicted to be benign by multiple in silico algorithms, and/or has population frequency not consistent with disease.